The following is an entry in ClinVar:

NM_001367624.2(ZNF469):c.8931C>G (p.His2977Gln)

Gene: ZNF469 (zinc finger protein 469; plus strand). Cytogenetic location: 16q24.2.
Variant type: single nucleotide variant.
Coding change: c.8931C>G on transcript NM_001367624.2 (MANE Select); coding-DNA position 8931, C replaced by G.
Protein change: p.His2977Gln; replaces histidine 2977 with glutamine.
Molecular consequence: missense variant.
Genome position (GRCh38, 1-based): chr16:88,436,401, C>G. VCF-style: chr16-88436401-C-G. GRCh37 (hg19) VCF-style: chr16-88502809-C-G.
Other names: NM_001127464.1:c.8847C>G; p.His2977Gln; NM_001127464.2:c.8847C>G; short protein forms H2977Q.
Identifiers: ClinVar variation 872520 (VCV000872520.49), dbSNP rs758398877, ClinGen allele CA8225387.
Genomic context (GRCh38, chr16:88,436,401, plus strand): 5'-CCTCAGCCTGTGGGCCCTGGAGCCCAGCAGGGAAGCTGGTGCAGAGAAGCTGCCCTCCCA[C>G]TGCCCCGAGGACGATCGGCCGGAGGCCATTCCTGAGCTGCACATGGTCCCAGCGGCTTGG-3'
Protein context (NP_001354553.1, residues 2967-2987): REAGAEKLPS[His2977Gln]CPEDDRPEAI

ClinVar aggregate classification (germline): Conflicting classifications of pathogenicity. Review status: criteria provided, conflicting classifications (1 of 4 stars). 6 submissions from 6 submitters: Uncertain significance (3); Likely benign (3). Last evaluated 2025-08-19.

Conditions:
Brittle cornea syndrome 1 (BCS1). Also called: Corneal fragility keratoglobus, blue sclerae AND joint hypermobility; DYSGENESIS MESODERMALIS CORNEAE ET SCLERAE; CORNEAL FRAGILITY, KERATOGLOBUS, BLUE SCLERAE, JOINT HYPEREXTENSIBILITY; EDS6B; FRAGILITAS OCULI WITH JOINT HYPEREXTENSIBILITY. Identifiers: Orphanet 90354, MedGen C0268344, MONDO:0024543, OMIM 229200.
Cardiovascular phenotype. Identifiers: MedGen CN230736.
ZNF469-related disorder. Also called: ZNF469-related condition.

Allele frequency attached by ClinVar (database versions not stated): gnomAD 0.00007 and 0.00008; TOPMed 0.00010; ExAC 0.00014; gnomAD exomes 0.00015.
gnomAD v4.1: 109 of 1,549,684 alleles (0.007%); highest among the groups gnomAD compares: South Asian, 0.012%; no homozygotes.

Submissions (6):

Mayo Clinic Laboratories, Mayo Clinic
Classification: Likely benign. Last evaluated: 2025-08-19. Review status: criteria provided, single submitter. Criteria: ACMG Guidelines, 2015. Collection method: clinical testing. Allele origin: germline. Observed: 2 variant alleles.
Comment: BS1, BP4_moderate

PreventionGenetics, part of Exact Sciences
Classification: Likely benign for ZNF469-related condition. Last evaluated: 2025-01-13. Review status: criteria provided, single submitter. Criteria: ACMG Guidelines, 2015. Collection method: clinical testing. Allele origin: germline.
Comment: This variant is classified as likely benign based on ACMG/AMP sequence variant interpretation guidelines (Richards et al. 2015 PMID: 25741868, with internal and published modifications).

Ambry Genetics
Classification: Likely benign for Cardiovascular phenotype. Last evaluated: 2024-12-20. Review status: criteria provided, single submitter. Criteria: Ambry Variant Classification Scheme 2023. Collection method: clinical testing. Allele origin: germline.

Labcorp Genetics (formerly Invitae), Labcorp
Classification: Uncertain significance. Last evaluated: 2024-12-18. Review status: criteria provided, single submitter. Criteria: Invitae Variant Classification Sherloc (09022015). Collection method: clinical testing. Allele origin: germline.
Comment: This sequence change replaces histidine, which is basic and polar, with glutamine, which is neutral and polar, at codon 2949 of the ZNF469 protein (p.His2949Gln). This variant is present in population databases (rs758398877, gnomAD 0.2%). This variant has not been reported in the literature in individuals affected with ZNF469-related conditions. ClinVar contains an entry for this variant (Variation ID: 872520). An algorithm developed to predict the effect of missense changes on protein structure and function (PolyPhen-2) suggests that this variant¬†is likely to be tolerated. In summary, the available evidence is currently insufficient to determine the role of this variant in disease. Therefore, it has been classified as a Variant of Uncertain Significance.

Department of Pathology and Laboratory Medicine, Sinai Health System
Classification: Uncertain significance for Brittle cornea syndrome 1. Last evaluated: 2021-07-30. Review status: criteria provided, single submitter. Criteria: ACMG Guidelines, 2015. Collection method: research. Allele origin: germline.

CeGaT Center for Human Genetics Tuebingen
Classification: Uncertain significance. Last evaluated: 2019-09-01. Review status: criteria provided, single submitter. Criteria: CeGaT Center For Human Genetics Tuebingen Variant Classification Criteria Version 2. Collection method: clinical testing. Allele origin: germline. Affected: yes. Observed: 1 variant allele.